The following is an entry in ClinVar:

ClinVar aggregate classification (germline): Uncertain significance (1 of 4 stars; one submission).

Conditions:
Cardiovascular phenotype. Identifiers: MedGen CN230736.

gnomAD v4.1: 2 of 1,613,756 alleles (0.00012%); highest among the groups gnomAD compares: Non-Finnish European, 0.00017%; no homozygotes.

Submission:

Ambry Genetics
Classification: Uncertain significance for Cardiovascular phenotype. Last evaluated: 2024-07-28. Review status: criteria provided, single submitter. Criteria: Ambry Variant Classification Scheme 2023. Collection method: clinical testing. Allele origin: germline.
Comment: The p.M855I variant (also known as c.2565G>A) is located in coding exon 11 of the MYPN gene. The methionine at codon 855 is replaced by isoleucine, an amino acid with highly similar properties. This change occurs in the first base pair of coding exon 11. This amino acid position is conserved. In addition, this alteration is predicted to be tolerated by in silico analysis. Based on the available evidence, the clinical significance of this variant remains unclear.

NM_032578.4(MYPN):c.2565G>A (p.Met855Ile)

Gene: MYPN (myopalladin; plus strand). Cytogenetic location: 10q21.3.
Variant type: single nucleotide variant.
Coding change: c.2565G>A on transcript NM_032578.4 (MANE Select); coding-DNA position 2565, G replaced by A.
Protein change: p.Met855Ile; replaces methionine 855 with isoleucine.
Molecular consequence: missense variant. On other transcripts: non-coding transcript variant (1).
Genome position (GRCh38, 1-based): chr10:68,175,323, G>A. VCF-style: chr10-68175323-G-A. GRCh37 (hg19) VCF-style: chr10-69935080-G-A.
Other names: c.2565G>A, p.Met855Ile (NM_001256267.2); c.1683G>A, p.Met561Ile (NM_001256268.2); short protein forms M561I, M855I.
Identifiers: ClinVar variation 3402024 (VCV003402024.1).